The following is an entry in ClinVar:

ClinVar aggregate classification (germline): Likely benign. Review status: criteria provided, single submitter (1 of 4 stars). 2 submissions from 2 submitters: Likely benign (1). 1 of the submissions does not count toward it. Last evaluated 2021-11-16.

Conditions:
ATP5F1D-related disorder. Also called: ATP5F1D-related condition.

Allele frequency attached by ClinVar (database versions not stated): TOPMed below 0.00001; gnomAD 0.00003; gnomAD exomes 0.00015 and 0.00040; ExAC 0.00105.

Submissions (2):

Labcorp Genetics (formerly Invitae), Labcorp
Classification: Likely benign. Last evaluated: 2021-11-16. Review status: criteria provided, single submitter. Criteria: Invitae Variant Classification Sherloc (09022015). Collection method: clinical testing. Allele origin: germline.

PreventionGenetics, part of Exact Sciences
Classification: Likely benign for ATP5F1D-related condition. Last evaluated: 2020-10-21. Review status: no assertion criteria provided. Collection method: clinical testing. Allele origin: germline. Not counted in ClinVar's aggregate classification.
Comment: This variant is classified as likely benign based on ACMG/AMP sequence variant interpretation guidelines (Richards et al. 2015 PMID: 25741868, with internal and published modifications).

NM_001687.5(ATP5F1D):c.170A>G (p.Gln57Arg)

Gene: ATP5F1D (ATP synthase F1 subunit delta; plus strand). Cytogenetic location: 19p13.3.
Variant type: single nucleotide variant.
Coding change: c.170A>G on transcript NM_001687.5 (MANE Select); coding-DNA position 170, A replaced by G.
Protein change: p.Gln57Arg; replaces glutamine 57 with arginine.
Molecular consequence: missense variant.
Genome position (GRCh38, 1-based): chr19:1,242,484, A>G. VCF-style: chr19-1242484-A-G. GRCh37 (hg19) VCF-style: chr19-1242483-A-G.
Other names: c.170A>G (NM_001001975.1); c.170A>G, p.Gln57Arg (NM_001001975.2); short protein forms Q57R.
Identifiers: ClinVar variation 1682806 (VCV001682806.10), dbSNP rs779769527, ClinGen allele CA9040232.